The following is an entry in ClinVar:

ClinVar aggregate classification (germline): Likely pathogenic (1 of 4 stars; one submission).

Submission:

GeneDx
Classification: Likely pathogenic. Last evaluated: 2017-10-17. Review status: criteria provided, single submitter. Criteria: GeneDx Variant Classification (06012015). Collection method: clinical testing. Allele origin: germline. Affected: yes.
Comment: The C35Y variant in the UMOD gene has not been reported previously as a pathogenic variant, nor as a benign variant, to our knowledge. The C35Y variant is not observed in large population cohorts (Lek et al., 2016). The C35Y variant is a non-conservative amino acid substitution, which is likely to impact secondary protein structure as these residues differ in polarity, charge, size and/or other properties. This substitution occurs at a position that is conserved across species, and in silico analysis predicts this variant is probably damaging to the protein structure/function. We interpret C35Y as a likely pathogenic variant.

NM_003361.4(UMOD):c.104G>A (p.Cys35Tyr)

Gene: UMOD (uromodulin; minus strand). Cytogenetic location: 16p12.3.
Variant type: single nucleotide variant.
Coding change: c.104G>A on transcript NM_003361.4 (MANE Select); coding-DNA position 104, G replaced by A.
Protein change: p.Cys35Tyr; replaces cysteine 35 with tyrosine.
Molecular consequence: missense variant. On other transcripts: non-coding transcript variant (1).
Genome position (GRCh38, 1-based): chr16:20,349,197, C>T on the plus strand (G>A on the coding strand, the complement: UMOD is on the minus strand). VCF-style: chr16-20349197-C-T. GRCh37 (hg19) VCF-style: chr16-20360519-C-T.
Other names: c.104G>A, p.Cys35Tyr (NM_001008389.3, NM_001378232.1, NM_001378233.1 and 3 more transcripts); c.203G>A, p.Cys68Tyr (NM_001278614.2); short protein forms C35Y, C68Y.
Identifiers: ClinVar variation 452853 (VCV000452853.2), dbSNP rs1555487726, ClinGen allele CA394965717.
Genomic context (GRCh38, chr16:20,349,197, plus strand): 5'-CCCTCCTGACAGGTGCACGTCGTAACGGCCTCATCCTCCGTGCAGGTGGCATTGCTGTGA[C>T]ATTCAGAGCACCATCCTGTGGACAGAAAAGCCCAGCTTCAGGGTTTGGGCAGCTGGGCCC-3'
Protein context (NP_003352.2, residues 25-45): DTSEARWCSE[Cys35Tyr]HSNATCTEDE